The following is an entry in ClinVar:

ClinVar aggregate classification (germline): Uncertain significance. Review status: criteria provided, multiple submitters, no conflicts (2 of 4 stars). 2 submissions from 2 submitters: Uncertain significance (2). Last evaluated 2023-11-24.

Conditions:
Charcot-Marie-Tooth disease axonal type 2P. Also called: CHARCOT-MARIE-TOOTH NEUROPATHY, TYPE 2P; CHARCOT-MARIE-TOOTH DISEASE, AXONAL, TYPE 2G; CMT 2G; Charcot-Marie-Tooth Neuropathy Type 2G. Identifiers: Orphanet 300319, Orphanet 99941, MedGen C3280797, MONDO:0013753, OMIM 614436.

Allele frequency attached by ClinVar (database versions not stated): gnomAD 0.00005 and 0.00004; 1000 Genomes Project 0.00020; gnomAD exomes below 0.00001; TOPMed 0.00002; 1000 Genomes Project 30x 0.00031; ExAC 0.00001.
gnomAD v4.1: 8 of 1,614,034 alleles (0.0005%); highest among the groups gnomAD compares: African/African-American, 0.011%; no homozygotes.

Submissions (2):

Labcorp Genetics (formerly Invitae), Labcorp
Classification: Uncertain significance for Charcot-Marie-Tooth disease axonal type 2P. Last evaluated: 2023-11-24. Review status: criteria provided, single submitter. Criteria: Invitae Variant Classification Sherloc (09022015). Collection method: clinical testing. Allele origin: germline.
Comment: This sequence change replaces phenylalanine, which is neutral and non-polar, with leucine, which is neutral and non-polar, at codon 46 of the LRSAM1 protein (p.Phe46Leu). This variant is present in population databases (rs546739304, gnomAD 0.02%). This variant has not been reported in the literature in individuals affected with LRSAM1-related conditions. ClinVar contains an entry for this variant (Variation ID: 234859). Advanced modeling of protein sequence and biophysical properties (such as structural, functional, and spatial information, amino acid conservation, physicochemical variation, residue mobility, and thermodynamic stability) performed at Invitae indicates that this missense variant is not expected to disrupt LRSAM1 protein function with a negative predictive value of 80%. In summary, the available evidence is currently insufficient to determine the role of this variant in disease. Therefore, it has been classified as a Variant of Uncertain Significance.

GeneDx
Classification: Uncertain significance. Last evaluated: 2017-07-28. Review status: criteria provided, single submitter. Criteria: GeneDx Variant Classification (06012015). Collection method: clinical testing. Allele origin: germline. Affected: yes.
Comment: The F46L variant in the LRSAM1 gene has not been reported previously as a pathogenic variant, nor as a benign variant, to our knowledge. This variant was not observed in approximately 6500 individuals of European and African American ancestry in the NHLBI Exome Sequencing Project, indicating it is not a common benign variant in these populations. The F46L variant is a conservative amino acid substitution, which is not likely to impact secondary protein structure as these residues share similar properties. This substitution occurs at a position that is conserved in mammals. In silico analysis is inconsistent in its predictions as to whether or not the variant is damaging to the protein structure/function. We interpret F46L as a variant of uncertain significance

NM_001005373.4(LRSAM1):c.136T>C (p.Phe46Leu)

Gene: LRSAM1 (leucine rich repeat and sterile alpha motif containing 1; plus strand). Cytogenetic location: 9q33.3.
Variant type: single nucleotide variant.
Coding change: c.136T>C on transcript NM_001005373.4 (MANE Select); coding-DNA position 136, T replaced by C.
Protein change: p.Phe46Leu; replaces phenylalanine 46 with leucine.
Molecular consequence: missense variant. On other transcripts: 5 prime UTR variant (1), non-coding transcript variant (2).
Genome position (GRCh38, 1-based): chr9:127,455,582, T>C. VCF-style: chr9-127455582-T-C. GRCh37 (hg19) VCF-style: chr9-130217861-T-C.
Other names: c.136T>C, p.Phe46Leu (NM_001005374.4, NM_001190723.3, NM_001384142.1 and 2 more transcripts); c.-649T>C (NM_001384144.1); short protein forms F46L.
Identifiers: ClinVar variation 234859 (VCV000234859.7), dbSNP rs546739304, ClinGen allele CA5246406.